The following is an entry in ClinVar:

NM_001378609.3(OTOGL):c.3103C>T (p.Gln1035Ter)

Gene: OTOGL (otogelin like; plus strand). Cytogenetic location: 12q21.31.
Variant type: single nucleotide variant.
Coding change: c.3103C>T on transcript NM_001378609.3 (MANE Select); coding-DNA position 3103, C replaced by T.
Protein change: p.Gln1035Ter; replaces glutamine 1035 with a stop codon.
Molecular consequence: nonsense.
Genome position (GRCh38, 1-based): chr12:80,302,673, C>T. VCF-style: chr12-80302673-C-T. GRCh37 (hg19) VCF-style: chr12-80696453-C-T.
Other names: c.3076C>T (NM_173591.3); c.2968C>T, p.Gln990Ter (NM_001368062.3); c.3103C>T, p.Gln1035Ter (NM_001378610.3, NM_173591.7); short protein forms Q1035*, Q990*.
Identifiers: ClinVar variation 291087 (VCV000291087.6), dbSNP rs886044647, ClinGen allele CA10607013.
Genomic context (GRCh38, chr12:80,302,673, plus strand): 5'-ATTTTCTTTTTTGTTTTTAAGAAACAATCAGGTTTTTTTCTGGAAAACAAATCTACCTAC[C>T]AGCTTTGGAAGGCTGGTTACTATATAGTAGTATACTTTCCAGAGAAAGATATCACTATTC-3'

ClinVar aggregate classification (germline): Pathogenic/Likely pathogenic. Review status: criteria provided, multiple submitters, no conflicts (2 of 4 stars). 2 submissions from 2 submitters: Pathogenic (1); Likely pathogenic (1). Last evaluated 2025-02-14.

Conditions:
OTOGL-related disorder. Also called: OTOGL-related condition.

Allele frequency attached by ClinVar (database versions not stated): gnomAD exomes below 0.00001; gnomAD 0.00001.
gnomAD v4.1: 4 of 1,406,596 alleles (0.00028%); highest among the groups gnomAD compares: Non-Finnish European, 0.00037%; no homozygotes.

Submissions (2):

PreventionGenetics, part of Exact Sciences
Classification: Likely pathogenic for OTOGL-related condition. Last evaluated: 2025-02-14. Review status: criteria provided, single submitter. Criteria: ACMG Guidelines, 2015. Collection method: clinical testing. Allele origin: germline.
Comment: The OTOGL c.3076C>T variant is predicted to result in premature protein termination (p.Gln1026*). To our knowledge, this variant has not been reported in the literature. This variant is reported in 0.0015% of alleles in individuals of European (non-Finnish) descent in gnomAD. Nonsense variants in OTOGL are expected to be pathogenic. This variant is interpreted as likely pathogenic.

Eurofins Ntd Llc (ga)
Classification: Pathogenic. Last evaluated: 2016-09-05. Review status: criteria provided, single submitter. Criteria: EGL Classification Definitions 2015. Collection method: clinical testing. Allele origin: germline. Observed: 1 variant allele, 1 heterozygote.